The following is an entry in ClinVar:

NM_152564.5(VPS13B):c.9786G>A (p.Glu3262=)

Gene: VPS13B (vacuolar protein sorting 13 homolog B; plus strand). Cytogenetic location: 8q22.2.
Variant type: single nucleotide variant.
Coding change: c.9786G>A on transcript NM_152564.5 (MANE Select); coding-DNA position 9786, G replaced by A.
Protein change: p.Glu3262=; no amino-acid change (glutamic acid 3262 retained).
Molecular consequence: synonymous variant.
Genome position (GRCh38, 1-based): chr8:99,835,582, G>A. VCF-style: chr8-99835582-G-A. GRCh37 (hg19) VCF-style: chr8-100847810-G-A.
Other names: c.9786G>A (NM_152564.4); c.9861G>A, p.Glu3287= (NM_017890.5).
Identifiers: ClinVar variation 1080313 (VCV001080313.13), dbSNP rs138221649, ClinGen allele CA4824804.

ClinVar aggregate classification (germline): Likely benign. Review status: criteria provided, multiple submitters, no conflicts (2 of 4 stars). 3 submissions from 3 submitters: Likely benign (2). 1 of the submissions does not count toward it. Last evaluated 2025-12-22.

Conditions:
Cohen syndrome (COH1). Also called: Cutis verticis gyrata, retinitis pigmentosa, and sensorineural deafness; PEPPER SYNDROME. Identifiers: Orphanet 193, MedGen C0265223, MONDO:0008999, OMIM 216550.
Inborn genetic diseases. Identifiers: MedGen C0950123, MeSH D030342.
VPS13B-related disorder. Also called: VPS13B-related condition.

Allele frequency attached by ClinVar (database versions not stated): gnomAD exomes 0.00001; ExAC 0.00002; TOPMed 0.00003; gnomAD 0.00004 and 0.00005; ESP Exome Variant Server 0.00008; 1000 Genomes Project 0.00020; 1000 Genomes Project 30x 0.00031.
gnomAD v4.1: 10 of 1,614,072 alleles (0.00062%); highest among the groups gnomAD compares: African/African-American, 0.013%; no homozygotes.

Submissions (3):

Labcorp Genetics (formerly Invitae), Labcorp
Classification: Likely benign for Cohen syndrome. Last evaluated: 2025-12-22. Review status: criteria provided, single submitter. Criteria: Invitae Variant Classification Sherloc (09022015). Collection method: clinical testing. Allele origin: germline.

Ambry Genetics
Classification: Likely benign for Inborn genetic diseases. Last evaluated: 2020-08-31. Review status: criteria provided, single submitter. Criteria: Ambry Variant Classification Scheme 2023. Collection method: clinical testing. Allele origin: germline.

PreventionGenetics, part of Exact Sciences
Classification: Likely benign for VPS13B-related condition. Last evaluated: 2021-08-19. Review status: no assertion criteria provided. Collection method: clinical testing. Allele origin: germline. Not counted in ClinVar's aggregate classification.
Comment: This variant is classified as likely benign based on ACMG/AMP sequence variant interpretation guidelines (Richards et al. 2015 PMID: 25741868, with internal and published modifications).